The following is an entry in ClinVar:

ClinVar aggregate classification (germline): Benign. Review status: criteria provided, multiple submitters, no conflicts (2 of 4 stars). 2 submissions from 2 submitters: Benign (2). Last evaluated 2018-01-13.

Conditions:
Hyperprolinemia type 2 (HYRPRO2). Also called: 1-PYRROLINE-5-CARBOXYLATE DEHYDROGENASE DEFICIENCY; Deficiency of pyrroline-5-carboxylate reductase; Delta-1-pyrroline-5-carboxylate dehydrogenase deficiency. Identifiers: Orphanet 79101, MedGen C2931835, MONDO:0009401, OMIM 239510.

Allele frequency attached by ClinVar (database versions not stated): gnomAD exomes 0.00438; gnomAD 0.03229 and 0.03425; TOPMed 0.03676; 1000 Genomes Project 0.04014; 1000 Genomes Project 30x 0.04482.
gnomAD v4.1: 4,880 of 154,576 alleles (3.2%); highest among the groups gnomAD compares: African/African-American, 11%; 226 homozygotes.

Submissions (2):

Illumina Laboratory Services, Illumina
Classification: Benign for Hyperprolinemia type 2. Last evaluated: 2018-01-13. Review status: criteria provided, single submitter. Criteria: ICSL Variant Classification Criteria 13 December 2019. Collection method: clinical testing. Allele origin: germline.
Comment: This variant was observed in the ICSL laboratory as part of a predisposition screen in an ostensibly healthy population. It had not been previously curated by ICSL or reported in the Human Gene Mutation Database (HGMD: prior to June 1st, 2018), and was therefore a candidate for classification through an automated scoring system. Utilizing variant allele frequency, disease prevalence and penetrance estimates, and inheritance mode, an automated score was calculated to assess if this variant is too frequent to cause the disease. Based on the score and internal cut-off values, a variant classified as benign is not then subjected to further curation. The score for this variant resulted in a classification of benign for this disease.

Breakthrough Genomics
Classification: Benign. Review status: criteria provided, single submitter. Criteria: ACMG Guidelines, 2015. Collection method: not provided. Allele origin: germline. Inheritance: Autosomal recessive inheritance. Affected: yes.

NM_003748.4(ALDH4A1):c.*502A>G

Gene: ALDH4A1 (aldehyde dehydrogenase 4 family member A1; minus strand). Cytogenetic location: 1p36.13.
Variant type: single nucleotide variant.
Coding change: c.*502A>G on transcript NM_003748.4 (MANE Select); 502 bases downstream of the stop codon, A replaced by G.
Molecular consequence: 3 prime UTR variant. On other transcripts: intron variant (1).
Genome position (GRCh38, 1-based): chr1:18,872,343, T>C on the plus strand (A>G on the coding strand, the complement: ALDH4A1 is on the minus strand). VCF-style: chr1-18872343-T-C. GRCh37 (hg19) VCF-style: chr1-19198837-T-C.
Other names: c.*502A>G (NM_001161504.2, NM_001319218.2); c.*41+461A>G (NM_170726.3).
Identifiers: ClinVar variation 294351 (VCV000294351.6), dbSNP rs1802783, ClinGen allele CA10608604.
Genomic context (GRCh38, chr1:18,872,343, plus strand): 5'-TGGCTGGGGACAGGGGCCTACTGGCCCAGGTGGGTCTGGGCAAAGATACAGTGAGGAAGG[T>C]AGACAGCCCAGACCAGAGAGGGCAAGGCCAGCTGGTGCCCCCTGTGCCCCACAGGTCAGT-3'